The following is an entry in ClinVar:

NM_003737.4(DCHS1):c.2980C>T (p.Arg994Cys)

Gene: DCHS1 (dachsous cadherin-related 1; minus strand). Cytogenetic location: 11p15.4.
Variant type: single nucleotide variant.
Coding change: c.2980C>T on transcript NM_003737.4 (MANE Select); coding-DNA position 2980, C replaced by T.
Protein change: p.Arg994Cys; replaces arginine 994 with cysteine.
Molecular consequence: missense variant.
Genome position (GRCh38, 1-based): chr11:6,632,532, G>A on the plus strand (C>T on the coding strand, the complement: DCHS1 is on the minus strand). VCF-style: chr11-6632532-G-A. GRCh37 (hg19) VCF-style: chr11-6653763-G-A.
Other names: short protein forms R994C.
Identifiers: ClinVar variation 3257224 (VCV003257224.17).

ClinVar aggregate classification (germline): Uncertain significance (1 of 4 stars; one submission).

gnomAD v4.1: 5 of 1,534,636 alleles (0.00033%); highest among the groups gnomAD compares: East Asian, 0.0023%; no homozygotes.

Submission:

CeGaT Center for Human Genetics Tuebingen
Classification: Uncertain significance. Last evaluated: 2024-07-01. Review status: criteria provided, single submitter. Criteria: CeGaT Center For Human Genetics Tuebingen Variant Classification Criteria Version 2. Collection method: clinical testing. Allele origin: germline. Affected: yes. Observed: 1 variant allele.
Comment: DCHS1: PM2, BP4